The following is an entry in ClinVar:

ClinVar aggregate classification (germline): Uncertain significance (1 of 4 stars; one submission).

Conditions:
Catecholaminergic polymorphic ventricular tachycardia 1. Also called: VENTRICULAR TACHYCARDIA, STRESS-INDUCED POLYMORPHIC 1; VENTRICULAR TACHYCARDIA, CATECHOLAMINERGIC POLYMORPHIC, 1, WITH OR WITHOUT ATRIAL DYSFUNCTION AND/OR DILATED CARDIOMYOPATHY; RYR2-Related Catecholaminergic Polymorphic Ventricular Tachycardia. Identifiers: Orphanet 3286, MedGen C1631597, MONDO:0011484, OMIM 604772.

Submission:

Labcorp Genetics (formerly Invitae), Labcorp
Classification: Uncertain significance for Catecholaminergic polymorphic ventricular tachycardia 1. Last evaluated: 2020-02-09. Review status: criteria provided, single submitter. Criteria: Invitae Variant Classification Sherloc (09022015). Collection method: clinical testing. Allele origin: germline.
Comment: This sequence change replaces isoleucine with serine at codon 64 of the RYR2 protein (p.Ile64Ser). The isoleucine residue is moderately conserved and there is a large physicochemical difference between isoleucine and serine. This variant is not present in population databases (ExAC no frequency). This variant has not been reported in the literature in individuals with RYR2-related conditions. Algorithms developed to predict the effect of missense changes on protein structure and function are either unavailable or do not agree on the potential impact of this missense change (SIFT: "Deleterious"; PolyPhen-2: "Possibly Damaging"; Align-GVGD: "Class C0"). Algorithms developed to predict the effect of sequence changes on RNA splicing suggest that this variant may create or strengthen a splice site, but this prediction has not been confirmed by published transcriptional studies. In summary, the available evidence is currently insufficient to determine the role of this variant in disease. Therefore, it has been classified as a Variant of Uncertain Significance.

NM_001035.3(RYR2):c.191T>G (p.Ile64Ser)

Gene: RYR2 (ryanodine receptor 2; plus strand). Cytogenetic location: 1q43.
Variant type: single nucleotide variant.
Coding change: c.191T>G on transcript NM_001035.3 (MANE Select); coding-DNA position 191, T replaced by G.
Protein change: p.Ile64Ser; replaces isoleucine 64 with serine.
Molecular consequence: missense variant.
Genome position (GRCh38, 1-based): chr1:237,330,900, T>G. VCF-style: chr1-237330900-T-G. GRCh37 (hg19) VCF-style: chr1-237494200-T-G.
Other names: short protein forms I64S.
Identifiers: ClinVar variation 1051829 (VCV001051829.48), dbSNP rs2149567963, ClinGen allele CA345654584.